The following is an entry in ClinVar:

NM_006086.4(TUBB3):c.435C>T (p.Ser145=)

Gene: TUBB3 (tubulin beta 3 class III; plus strand). Cytogenetic location: 16q24.3.
Variant type: single nucleotide variant.
Coding change: c.435C>T on transcript NM_006086.4 (MANE Select); coding-DNA position 435, C replaced by T.
Protein change: p.Ser145=; no amino-acid change (serine 145 retained).
Molecular consequence: synonymous variant.
Genome position (GRCh38, 1-based): chr16:89,934,886, C>T. VCF-style: chr16-89934886-C-T. GRCh37 (hg19) VCF-style: chr16-90001294-C-T.
Other names: c.219C>T, p.Ser73= (NM_001197181.2).
Identifiers: ClinVar variation 437129 (VCV000437129.31), dbSNP rs146421795, ClinGen allele CA8256111.

ClinVar aggregate classification (germline): Benign/Likely benign. Review status: criteria provided, multiple submitters, no conflicts (2 of 4 stars). 6 submissions from 6 submitters: Benign (4); Likely benign (1). 1 of the submissions does not count toward it. Last evaluated 2025-10-27.

Conditions:
TUBB3-related disorder. Also called: TUBB3-related condition; TUBB3-related disorders.

Allele frequency attached by ClinVar (database versions not stated): gnomAD exomes 0.00023 and 0.00043; ExAC 0.00051; 1000 Genomes Project 0.00120; 1000 Genomes Project 30x 0.00125; ESP Exome Variant Server 0.00131; gnomAD 0.00143 and 0.00153; TOPMed 0.00151.
gnomAD v4.1: 550 of 1,614,132 alleles (0.034%); highest among the groups gnomAD compares: African/African-American, 0.44%; no homozygotes.

Submissions (6):

Labcorp Genetics (formerly Invitae), Labcorp
Classification: Benign. Last evaluated: 2025-10-27. Review status: criteria provided, single submitter. Criteria: Invitae Variant Classification Sherloc (09022015). Collection method: clinical testing. Allele origin: germline.

CeGaT Center for Human Genetics Tuebingen
Classification: Likely benign. Last evaluated: 2024-11-01. Review status: criteria provided, single submitter. Criteria: CeGaT Center For Human Genetics Tuebingen Variant Classification Criteria Version 2. Collection method: clinical testing. Allele origin: germline. Affected: yes. Observed: 1 variant allele.
Comment: TUBB3: BP4, BP7

GeneDx
Classification: Benign. Last evaluated: 2019-07-17. Review status: criteria provided, single submitter. Criteria: GeneDx Variant Classification Process June 2021. Collection method: clinical testing. Allele origin: germline. Affected: yes.

Genetic Services Laboratory, University of Chicago
Classification: Benign. Last evaluated: 2017-06-05. Review status: criteria provided, single submitter. Criteria: ACMG Guidelines, 2015. Collection method: clinical testing. Allele origin: germline. Affected: no.

Breakthrough Genomics
Classification: Benign. Review status: criteria provided, single submitter. Criteria: ACMG Guidelines, 2015. Collection method: not provided. Allele origin: germline. Inheritance: Autosomal dominant inheritance. Affected: yes.

PreventionGenetics, part of Exact Sciences
Classification: Benign for TUBB3-related condition. Last evaluated: 2022-10-12. Review status: no assertion criteria provided. Collection method: clinical testing. Allele origin: germline. Not counted in ClinVar's aggregate classification.
Comment: This variant is classified as benign based on ACMG/AMP sequence variant interpretation guidelines (Richards et al. 2015 PMID: 25741868, with internal and published modifications).